The following is an entry in ClinVar:

ClinVar aggregate classification (germline): Uncertain significance (1 of 4 stars; one submission).

Conditions:
Werner syndrome (WRN). Identifiers: Orphanet 902, MedGen C0043119, MONDO:0010196, OMIM 277700.

Submission:

Labcorp Genetics (formerly Invitae), Labcorp
Classification: Uncertain significance for Werner syndrome. Last evaluated: 2024-06-13. Review status: criteria provided, single submitter. Criteria: Invitae Variant Classification Sherloc (09022015). Collection method: clinical testing. Allele origin: germline.
Comment: This sequence change replaces methionine, which is neutral and non-polar, with leucine, which is neutral and non-polar, at codon 1130 of the WRN protein (p.Met1130Leu). This variant is not present in population databases (gnomAD no frequency). This variant has not been reported in the literature in individuals affected with WRN-related conditions. ClinVar contains an entry for this variant (Variation ID: 1003302). An algorithm developed to predict the effect of missense changes on protein structure and function (PolyPhen-2) suggests that this variant is likely to be tolerated. In summary, the available evidence is currently insufficient to determine the role of this variant in disease. Therefore, it has been classified as a Variant of Uncertain Significance.

NM_000553.6(WRN):c.3388A>C (p.Met1130Leu)

Gene: WRN (WRN RecQ like helicase; plus strand). Cytogenetic location: 8p12.
Variant type: single nucleotide variant.
Coding change: c.3388A>C on transcript NM_000553.6 (MANE Select); coding-DNA position 3388, A replaced by C.
Protein change: p.Met1130Leu; replaces methionine 1130 with leucine.
Molecular consequence: missense variant.
Genome position (GRCh38, 1-based): chr8:31,147,057, A>C. VCF-style: chr8-31147057-A-C. GRCh37 (hg19) VCF-style: chr8-31004573-A-C.
Other names: short protein forms M1130L.
Identifiers: ClinVar variation 1003302 (VCV001003302.3), dbSNP rs532384887, ClinGen allele CA370925148.
Genomic context (GRCh38, chr8:31,147,057, plus strand): 5'-AAGTCAATGAGGAGAAAGAAAAGCTTTTATTATTTATTTTCTTTTAAATATTTTAGTATC[A>C]TGGTACAGTCACCAGAAAAAGCTTACAGTTCCTCACAGCCTGTTATTTCGGCACAAGAGC-3'
Protein context (NP_000544.2, residues 1120-1140): SGSNISKKSI[Met1130Leu]VQSPEKAYSS